The following is an entry in ClinVar:

NM_000478.6(ALPL):c.139A>G (p.Asn47Asp)

Gene: ALPL (alkaline phosphatase, biomineralization associated; plus strand). Cytogenetic location: 1p36.12.
Variant type: single nucleotide variant.
Coding change: c.139A>G on transcript NM_000478.6 (MANE Select); coding-DNA position 139, A replaced by G.
Protein change: p.Asn47Asp; replaces asparagine 47 with aspartic acid.
Molecular consequence: missense variant. On other transcripts: 5 prime UTR variant (1), synonymous variant (1).
Genome position (GRCh38, 1-based): chr1:21,560,703, A>G. VCF-style: chr1-21560703-A-G. GRCh37 (hg19) VCF-style: chr1-21887196-A-G.
Other names: c.-27A>G (NM_001127501.4); c.24A>G, p.Ser8= (NM_001177520.3); c.139A>G, p.Asn47Asp (NM_001369803.2, NM_001369804.2, NM_001369805.2); short protein forms N47D.
Identifiers: ClinVar variation 4847643 (VCV004847643.1).

ClinVar aggregate classification (germline): Uncertain significance (1 of 4 stars; one submission).

gnomAD v4.1: 1 of 1,614,184 alleles (0.000062%); highest among the groups gnomAD compares: South Asian, 0.0011%; no homozygotes.

Submission:

Women's Health and Genetics/Laboratory Corporation of America, LabCorp
Classification: Uncertain significance. Last evaluated: 2026-03-27. Review status: criteria provided, single submitter. Criteria: LabCorp Variant Classification Summary - May 2015. Collection method: clinical testing. Allele origin: germline.
Comment: Variant summary: ALPL c.139A>G (p.Asn47Asp) results in a conservative amino acid change in the encoded protein sequence. Algorithms developed to predict the effect of missense changes on protein structure and function are either unavailable or do not agree on the potential impact of this missense change. The variant was absent in 251442 control chromosomes (gnomAD). The available data on variant occurrences in the general population are insufficient to allow any conclusion about variant significance. To our knowledge, no occurrence of c.139A>G in individuals affected with ALPL-related conditions and no experimental evidence demonstrating its impact on protein function have been reported. No submitters have cited clinical-significance assessments for this variant to ClinVar. Based on the evidence outlined above, the variant was classified as uncertain significance.